The following is an entry in ClinVar:

ClinVar aggregate classification (germline): Uncertain significance. Review status: criteria provided, multiple submitters, no conflicts (2 of 4 stars). 2 submissions from 2 submitters: Uncertain significance (2). Last evaluated 2025-04-24.

Conditions:
Inborn genetic diseases. Identifiers: MedGen C0950123, MeSH D030342.

gnomAD v4.1: 5 of 1,614,098 alleles (0.00031%); highest among the groups gnomAD compares: Non-Finnish European, 0.00042%; no homozygotes.

Submissions (2):

Ambry Genetics
Classification: Uncertain significance for Inborn genetic diseases. Last evaluated: 2025-04-24. Review status: criteria provided, single submitter. Criteria: Ambry Variant Classification Scheme 2023. Collection method: clinical testing. Allele origin: germline.

Labcorp Genetics (formerly Invitae), Labcorp
Classification: Uncertain significance. Last evaluated: 2024-01-05. Review status: criteria provided, single submitter. Criteria: Invitae Variant Classification Sherloc (09022015). Collection method: clinical testing. Allele origin: germline.
Comment: This sequence change replaces leucine, which is neutral and non-polar, with valine, which is neutral and non-polar, at codon 3195 of the FAT4 protein (p.Leu3195Val). This variant is present in population databases (no rsID available, gnomAD 0.0009%). This variant has not been reported in the literature in individuals affected with FAT4-related conditions. ClinVar contains an entry for this variant (Variation ID: 1478295). Advanced modeling of protein sequence and biophysical properties (such as structural, functional, and spatial information, amino acid conservation, physicochemical variation, residue mobility, and thermodynamic stability) performed at Invitae indicates that this missense variant is not expected to disrupt FAT4 protein function with a negative predictive value of 80%. In summary, the available evidence is currently insufficient to determine the role of this variant in disease. Therefore, it has been classified as a Variant of Uncertain Significance.

NM_001291303.3(FAT4):c.9589C>G (p.Leu3197Val)

Gene: FAT4 (FAT atypical cadherin 4; plus strand). Cytogenetic location: 4q28.1.
Variant type: single nucleotide variant.
Coding change: c.9589C>G on transcript NM_001291303.3 (MANE Select); coding-DNA position 9589, C replaced by G.
Protein change: p.Leu3197Val; replaces leucine 3197 with valine.
Molecular consequence: missense variant.
Genome position (GRCh38, 1-based): chr4:125,450,599, C>G. VCF-style: chr4-125450599-C-G. GRCh37 (hg19) VCF-style: chr4-126371754-C-G.
Other names: c.9589C>G, p.Leu3197Val (NM_001291285.3); c.9583C>G, p.Leu3195Val (NM_024582.6); c.9583C>G (NM_024582.4); short protein forms L3195V, L3197V.
Identifiers: ClinVar variation 1478295 (VCV001478295.9), dbSNP rs763504235, ClinGen allele CA358152691.
Genomic context (GRCh38, chr4:125,450,599, plus strand): 5'-ACTGGTTACTGCAGTGTGACCGTAAATGTGATTGATGTGAATGATAATTCTCCAGTATTC[C>G]TCTCTGATGACTATTTCCCTACTGTTTTGGAAAATGCCCCAAGTGGAACAACAGTTATCC-3'
Protein context (NP_001278232.1, residues 3187-3207): IDVNDNSPVF[Leu3197Val]SDDYFPTVLE